The following is an entry in ClinVar:

NM_014712.3(SETD1A):c.4018G>A (p.Glu1340Lys)

Gene: SETD1A (SET domain containing 1A, histone lysine methyltransferase; plus strand). Cytogenetic location: 16p11.2.
Variant type: single nucleotide variant.
Coding change: c.4018G>A on transcript NM_014712.3 (MANE Select); coding-DNA position 4018, G replaced by A.
Protein change: p.Glu1340Lys; replaces glutamic acid 1340 with lysine.
Molecular consequence: missense variant.
Genome position (GRCh38, 1-based): chr16:30,979,804, G>A. VCF-style: chr16-30979804-G-A. GRCh37 (hg19) VCF-style: chr16-30991125-G-A.
Other names: short protein forms E1340K.
Identifiers: ClinVar variation 1690565 (VCV001690565.2), dbSNP rs1237118676, ClinGen allele CA395629298.

ClinVar aggregate classification (germline): Uncertain significance (1 of 4 stars; one submission).

Allele frequency attached by ClinVar (database versions not stated): TOPMed 0.00001.
gnomAD v4.1: 1 of 1,573,328 alleles (0.000064%); highest among the groups gnomAD compares: Non-Finnish European, 0.000086%; no homozygotes.

Submission:

Laboratorio de Genetica e Diagnostico Molecular, Hospital Israelita Albert Einstein
Classification: Uncertain significance. Last evaluated: 2022-02-09. Review status: criteria provided, single submitter. Criteria: ACMG Guidelines, 2015. Collection method: clinical testing. Allele origin: germline. Affected: yes.
Comment: ACMG classification criteria: PM2